The following is an entry in ClinVar:

ClinVar aggregate classification (germline): Likely pathogenic (1 of 4 stars; one submission).

Conditions:
Achromatopsia. Also called: Rod monochromatism. Identifiers: Orphanet 49382, MedGen C0152200, MONDO:0018852, HP:0011516.

Submission:

Natera, Inc.
Classification: Likely pathogenic for Achromatopsia. Last evaluated: 2024-11-27. Review status: criteria provided, single submitter. Criteria: Natera Variant Classification Schema (03/2026). Collection method: clinical testing. Allele origin: germline.
Comment: The c.1040_1041del variant in CNGB3 is a frameshift variant predicted to shift the reading frame beginning at codon 347 and leads to a stop codon 20 codons downstream. This variant is expected to result in nonsense mediated decay, truncation, or a dysfunctional protein product. This variant is rare in the general population with a frequency below the threshold expected for the associated phenotype(s). Given the available evidence, this variant is classified as Likely Pathogenic.

NM_019098.5(CNGB3):c.1040_1041del (p.Lys347fs)

Gene: CNGB3 (cyclic nucleotide gated channel subunit beta 3; minus strand). Cytogenetic location: 8q21.3.
Variant type: Deletion.
Coding change: c.1040_1041del on transcript NM_019098.5 (MANE Select); coding-DNA positions 1040 to 1041, 2 bases deleted (AA; older notation c.1040_1041delAA).
Protein change: p.Lys347fs; shifts the reading frame from lysine 347.
Molecular consequence: frameshift variant.
Genome position (GRCh38, 1-based): chr8:86,644,636-86,644,637, TT deleted on the plus strand (AA on the coding strand, the reverse complement: CNGB3 is on the minus strand); deleting any 2 consecutive bases within chr8:86,644,636-86,644,638 gives the same sequence; the c. name uses the placement nearest the transcript's 3' end. VCF-style (leftmost placement, unchanged base first): chr8-86644635-CTT-C. GRCh37 (hg19) VCF-style: chr8-87656863-CTT-C.
Other names: short protein forms K347fs.
Identifiers: ClinVar variation 4816009 (VCV004816009.1).